The following is an entry in ClinVar:

NM_001363.5(DKC1):c.1373C>T (p.Thr458Ile)

Gene: DKC1 (dyskerin pseudouridine synthase 1; plus strand). Cytogenetic location: Xq28.
Variant type: single nucleotide variant.
Coding change: c.1373C>T on transcript NM_001363.5 (MANE Select); coding-DNA position 1373, C replaced by T.
Protein change: p.Thr458Ile; replaces threonine 458 with isoleucine.
Molecular consequence: missense variant. On other transcripts: 3 prime UTR variant (1), non-coding transcript variant (3).
Genome position (GRCh38, 1-based): chrX:154,776,221, C>T. VCF-style: chrX-154776221-C-T. GRCh37 (hg19) VCF-style: chrX-154004496-C-T.
Other names: c.1358C>T, p.Thr453Ile (NM_001142463.3); c.*599C>T (NM_001288747.2); short protein forms T458I, T453I.
Identifiers: ClinVar variation 2880008 (VCV002880008.4), dbSNP rs2071893601, ClinGen allele CA414899544.

ClinVar aggregate classification (germline): Uncertain significance. Review status: criteria provided, multiple submitters, no conflicts (2 of 4 stars). 2 submissions from 2 submitters: Uncertain significance (2). Last evaluated 2025-11-16.

Conditions:
Dyskeratosis congenita. Identifiers: Orphanet 1775, MedGen C0265965, MONDO:0015780.

Submissions (2):

Labcorp Genetics (formerly Invitae), Labcorp
Classification: Uncertain significance for Dyskeratosis congenita. Last evaluated: 2025-11-16. Review status: criteria provided, single submitter. Criteria: Invitae Variant Classification Sherloc (09022015). Collection method: clinical testing. Allele origin: germline.
Comment: This sequence change replaces threonine, which is neutral and polar, with isoleucine, which is neutral and non-polar, at codon 458 of the DKC1 protein (p.Thr458Ile). This variant is not present in population databases (gnomAD no frequency). This variant has not been reported in the literature in individuals affected with DKC1-related conditions. ClinVar contains an entry for this variant (Variation ID: 2880008). Invitae Evidence Modeling of protein sequence and biophysical properties (such as structural, functional, and spatial information, amino acid conservation, physicochemical variation, residue mobility, and thermodynamic stability) indicates that this missense variant is not expected to disrupt DKC1 protein function with a negative predictive value of 80%. In summary, the available evidence is currently insufficient to determine the role of this variant in disease. Therefore, it has been classified as a Variant of Uncertain Significance.

Ambry Genetics
Classification: Uncertain significance for Dyskeratosis congenita. Last evaluated: 2025-04-28. Review status: criteria provided, single submitter. Criteria: Ambry Variant Classification Scheme 2023. Collection method: clinical testing. Allele origin: germline.